The following is an entry in ClinVar:

NM_000112.4(SLC26A2):c.1776A>G (p.Lys592=)

Gene: SLC26A2 (solute carrier family 26 member 2; plus strand). Cytogenetic location: 5q32.
Variant type: single nucleotide variant.
Coding change: c.1776A>G on transcript NM_000112.4 (MANE Select); coding-DNA position 1776, A replaced by G.
Protein change: p.Lys592=; no amino-acid change (lysine 592 retained).
Molecular consequence: synonymous variant.
Genome position (GRCh38, 1-based): chr5:149,981,369, A>G. VCF-style: chr5-149981369-A-G. GRCh37 (hg19) VCF-style: chr5-149360932-A-G.
Other names: c.1776A>G (NM_000112.3).
Identifiers: ClinVar variation 1084440 (VCV001084440.11), dbSNP rs570536938, ClinGen allele CA3505487.
Genomic context (GRCh38, chr5:149,981,369, plus strand): 5'-TCAGATTAAGCCAGGCATCAAGATTTTCCGCTTTGTAGCCCCTCTCTACTACATAAACAA[A>G]GAATGCTTTAAATCTGCTTTATACAAACAAACTGTCAACCCAATCTTAATAAAGGTGGCT-3'
Protein context (NP_000103.2, residues 582-602): RFVAPLYYIN[Lys592=]ECFKSALYKQ

ClinVar aggregate classification (germline): Likely benign. Review status: criteria provided, single submitter (1 of 4 stars). 2 submissions from 2 submitters: Likely benign (1). 1 of the submissions does not count toward it. Last evaluated 2026-01-28.

Conditions:
SLC26A2-related disorder. Also called: SLC26A2-related condition; SLC26A2-related disorders. Identifiers: MedGen CN239404.
Diastrophic dysplasia (DTD). Also called: Diastrophic dwarfism. Identifiers: Orphanet 628, MedGen C0220726, MONDO:0009107, OMIM 222600.
Multiple epiphyseal dysplasia type 4 (EDM4). Also called: MULTIPLE EPIPHYSEAL DYSPLASIA WITH BILAYERED PATELLAE; MULTIPLE EPIPHYSEAL DYSPLASIA WITH CLUBFOOT; MULTIPLE EPIPHYSEAL DYSPLASIA, AUTOSOMAL RECESSIVE; Multiple Epiphyseal Dysplasia, Recessive; SLC26A2-Related Multiple Epiphyseal Dysplasia. Identifiers: Orphanet 93307, MedGen C1847593, MONDO:0009189, OMIM 226900.
Atelosteogenesis type II (AO2). Also called: NEONATAL OSSEOUS DYSPLASIA I; Neonatal osseous dysplasia 1; SLC26A2-Related Atelosteogenesis. Identifiers: Orphanet 56304, MedGen C1850554, MONDO:0009727, OMIM 256050.
Achondrogenesis, type IB (ACG1B). Also called: Achondrogenesis Type 1B. Identifiers: Orphanet 932, Orphanet 93298, MedGen C0265274, MONDO:0010966, OMIM 600972.

Allele frequency attached by ClinVar (database versions not stated): 1000 Genomes Project 0.00100; TOPMed 0.00001; gnomAD 0.00004; gnomAD exomes 0.00006 and 0.00013; ExAC 0.00016; 1000 Genomes Project 30x 0.00094.
gnomAD v4.1: 100 of 1,614,160 alleles (0.0062%); highest among the groups gnomAD compares: South Asian, 0.099%; 2 homozygotes.

Submissions (2):

Labcorp Genetics (formerly Invitae), Labcorp
Classification: Likely benign for Atelosteogenesis type II; Multiple epiphyseal dysplasia type 4; Achondrogenesis, type IB; Diastrophic dysplasia. Last evaluated: 2026-01-28. Review status: criteria provided, single submitter. Criteria: Invitae Variant Classification Sherloc (09022015). Collection method: clinical testing. Allele origin: germline.

PreventionGenetics, part of Exact Sciences
Classification: Likely benign for SLC26A2-related condition. Last evaluated: 2019-06-23. Review status: no assertion criteria provided. Collection method: clinical testing. Allele origin: germline. Not counted in ClinVar's aggregate classification.
Comment: This variant is classified as likely benign based on ACMG/AMP sequence variant interpretation guidelines (Richards et al. 2015 PMID: 25741868, with internal and published modifications).